The following is an entry in ClinVar:

NM_001567.4(INPPL1):c.3196C>G (p.Pro1066Ala)

Gene: INPPL1 (inositol polyphosphate phosphatase like 1; plus strand). Cytogenetic location: 11q13.4.
Variant type: single nucleotide variant.
Coding change: c.3196C>G on transcript NM_001567.4 (MANE Select); coding-DNA position 3196, C replaced by G.
Protein change: p.Pro1066Ala; replaces proline 1066 with alanine.
Molecular consequence: missense variant.
Genome position (GRCh38, 1-based): chr11:72,237,440, C>G. VCF-style: chr11-72237440-C-G. GRCh37 (hg19) VCF-style: chr11-71948484-C-G.
Other names: short protein forms P1066A.
Identifiers: ClinVar variation 2117364 (VCV002117364.4), dbSNP rs769094787, ClinGen allele CA381738149.

ClinVar aggregate classification (germline): Uncertain significance (1 of 4 stars; one submission).

gnomAD v4.1: 1 of 1,610,322 alleles (0.000062%); highest among the groups gnomAD compares: Admixed American, 0.0017%; no homozygotes.

Submission:

Labcorp Genetics (formerly Invitae), Labcorp
Classification: Uncertain significance. Last evaluated: 2022-03-26. Review status: criteria provided, single submitter. Criteria: Invitae Variant Classification Sherloc (09022015). Collection method: clinical testing. Allele origin: germline.
Comment: This variant has not been reported in the literature in individuals affected with INPPL1-related conditions. In summary, the available evidence is currently insufficient to determine the role of this variant in disease. Therefore, it has been classified as a Variant of Uncertain Significance. Algorithms developed to predict the effect of missense changes on protein structure and function are either unavailable or do not agree on the potential impact of this missense change (SIFT: "Tolerated"; PolyPhen-2: "Possibly Damaging"; Align-GVGD: "Class C0"). This variant is not present in population databases (gnomAD no frequency). This sequence change replaces proline, which is neutral and non-polar, with alanine, which is neutral and non-polar, at codon 1066 of the INPPL1 protein (p.Pro1066Ala).